The following is an entry in ClinVar:

NM_001040108.2(MLH3):c.3982G>A (p.Val1328Met)

Gene: MLH3 (mutL homolog 3; minus strand). Cytogenetic location: 14q24.3.
Variant type: single nucleotide variant.
Coding change: c.3982G>A on transcript NM_001040108.2 (MANE Select); coding-DNA position 3982, G replaced by A.
Protein change: p.Val1328Met; replaces valine 1328 with methionine.
Molecular consequence: missense variant.
Genome position (GRCh38, 1-based): chr14:75,030,548, C>T on the plus strand (G>A on the coding strand, the complement: MLH3 is on the minus strand). VCF-style: chr14-75030548-C-T. GRCh37 (hg19) VCF-style: chr14-75497251-C-T.
Other names: c.3910G>A, p.Val1304Met (NM_014381.3); short protein forms V1304M, V1328M.
Identifiers: ClinVar variation 1736711 (VCV001736711.3), dbSNP rs1890975536, ClinGen allele CA390422417.

ClinVar aggregate classification (germline): Uncertain significance (1 of 4 stars; one submission).

Allele frequency attached by ClinVar (database versions not stated): gnomAD exomes below 0.00001; gnomAD 0.00001.
gnomAD v4.1: 2 of 1,613,930 alleles (0.00012%); highest among the groups gnomAD compares: Admixed American, 0.0017%; no homozygotes.

Submission:

Ambry Genetics
Classification: Uncertain significance. Last evaluated: 2024-12-26. Review status: criteria provided, single submitter. Criteria: Ambry Variant Classification Scheme 2023. Collection method: clinical testing. Allele origin: germline.
Comment: The p.V1328M variant (also known as c.3982G>A), located in coding exon 8 of the MLH3 gene, results from a G to A substitution at nucleotide position 3982. The valine at codon 1328 is replaced by methionine, an amino acid with highly similar properties. This amino acid position is conserved. In addition, the in silico prediction for this alteration is inconclusive. Since supporting evidence is limited at this time, the clinical significance of this alteration remains unclear.